The following is an entry in ClinVar:

NM_000329.3(RPE65):c.314C>T (p.Thr105Ile)

Gene: RPE65 (retinoid isomerohydrolase RPE65; minus strand). Cytogenetic location: 1p31.3.
Variant type: single nucleotide variant.
Coding change: c.314C>T on transcript NM_000329.3 (MANE Select); coding-DNA position 314, C replaced by T.
Protein change: p.Thr105Ile; replaces threonine 105 with isoleucine.
Molecular consequence: missense variant.
Genome position (GRCh38, 1-based): chr1:68,444,815, G>A on the plus strand (C>T on the coding strand, the complement: RPE65 is on the minus strand). VCF-style: chr1-68444815-G-A. GRCh37 (hg19) VCF-style: chr1-68910498-G-A.
Other names: short protein forms T105I.
Identifiers: ClinVar variation 1213915 (VCV001213915.7), dbSNP rs1260914084, ClinGen allele CA340748252.

ClinVar aggregate classification (germline): Uncertain significance. Review status: criteria provided, multiple submitters, no conflicts (2 of 4 stars). 2 submissions from 2 submitters: Uncertain significance (2). Last evaluated 2023-08-17.

Conditions:
Leber congenital amaurosis 2 (LCA2). Also called: AMAUROSIS CONGENITA OF LEBER II; Autosomal Recessive RPE65-Related Retinal Degeneration. Identifiers: Orphanet 65, MedGen C1859844, MONDO:0008765, OMIM 204100. Disease mechanism: loss of function.
Retinitis pigmentosa 20 (RP20). Identifiers: Orphanet 791, MedGen C3151086, MONDO:0013425, OMIM 613794.

Allele frequency attached by ClinVar (database versions not stated): gnomAD exomes below 0.00001; TOPMed below 0.00001; gnomAD 0.00001.
gnomAD v4.1: 2 of 1,614,034 alleles (0.00012%); highest among the groups gnomAD compares: Admixed American, 0.0033%; no homozygotes.

Submissions (2):

Labcorp Genetics (formerly Invitae), Labcorp
Classification: Uncertain significance for Leber congenital amaurosis 2; Retinitis pigmentosa 20. Last evaluated: 2023-08-17. Review status: criteria provided, single submitter. Criteria: Invitae Variant Classification Sherloc (09022015). Collection method: clinical testing. Allele origin: germline.
Comment: In summary, the available evidence is currently insufficient to determine the role of this variant in disease. Therefore, it has been classified as a Variant of Uncertain Significance. Advanced modeling of protein sequence and biophysical properties (such as structural, functional, and spatial information, amino acid conservation, physicochemical variation, residue mobility, and thermodynamic stability) performed at Invitae indicates that this missense variant is expected to disrupt RPE65 protein function. ClinVar contains an entry for this variant (Variation ID: 1213915). This variant has not been reported in the literature in individuals affected with RPE65-related conditions. This variant is present in population databases (no rsID available, gnomAD 0.003%). This sequence change replaces threonine, which is neutral and polar, with isoleucine, which is neutral and non-polar, at codon 105 of the RPE65 protein (p.Thr105Ile).

DBGen Ocular Genomics
Classification: Uncertain significance for Leber congenital amaurosis 2. Last evaluated: 2021-06-22. Review status: criteria provided, single submitter. Criteria: ACMG Guidelines, 2015. Collection method: clinical testing. Allele origin: germline. Affected: yes. Observed: 1 variant allele.